The following is an entry in ClinVar:

NM_000548.5(TSC2):c.3610+168G>A

Gene: TSC2 (TSC complex subunit 2; plus strand). Cytogenetic location: 16p13.3.
Variant type: single nucleotide variant.
Coding change: c.3610+168G>A on transcript NM_000548.5 (MANE Select); 168 bases into the intron after coding-DNA position 3610, G replaced by A.
Molecular consequence: intron variant.
Genome position (GRCh38, 1-based): chr16:2,080,545, G>A. VCF-style: chr16-2080545-G-A. GRCh37 (hg19) VCF-style: chr16-2130546-G-A.
Other names: c.3610+168G>A (NM_001114382.3); c.3481+168G>A (NM_021055.3, NM_001370405.1, NM_001363528.2); c.3478+168G>A (NM_001370404.1, NM_001077183.3); c.3370+168G>A (NM_001318827.2); c.2878+168G>A (NM_001318831.2); c.3334+168G>A (NM_001318829.2); c.3511+168G>A (NM_001318832.2).
Identifiers: ClinVar variation 674436 (VCV000674436.1), dbSNP rs9922898, ClinGen allele CA14309701.

ClinVar aggregate classification (germline): Benign (1 of 4 stars; one submission).

Allele frequency attached by ClinVar (database versions not stated): gnomAD exomes 0.00484; gnomAD 0.04452 and 0.04781; 1000 Genomes Project 0.04972; TOPMed 0.05082; 1000 Genomes Project 30x 0.05153.
gnomAD v4.1: 9,813 of 751,624 alleles (1.3%); highest among the groups gnomAD compares: African/African-American, 15%; 703 homozygotes.

Submission:

GeneDx
Classification: Benign. Last evaluated: 2018-06-19. Review status: criteria provided, single submitter. Criteria: GeneDx Variant Classification (06012015). Collection method: clinical testing. Allele origin: germline. Affected: yes.
Comment: This variant is considered likely benign or benign based on one or more of the following criteria: it is a conservative change, it occurs at a poorly conserved position in the protein, it is predicted to be benign by multiple in silico algorithms, and/or has population frequency not consistent with disease.